The following is an entry in ClinVar:

ClinVar aggregate classification (germline): Uncertain significance (1 of 4 stars; one submission).

Conditions:
DOCK2 deficiency. Also called: Immunodeficiency 40. Identifiers: Orphanet 447737, MedGen C4225328, MONDO:0014637, OMIM 616433.

Allele frequency attached by ClinVar (database versions not stated): ExAC 0.00001; gnomAD 0.00001; gnomAD exomes 0.00001; TOPMed 0.00002; ESP Exome Variant Server 0.00008.

Submission:

Labcorp Genetics (formerly Invitae), Labcorp
Classification: Uncertain significance for DOCK2 deficiency. Last evaluated: 2024-10-22. Review status: criteria provided, single submitter. Criteria: Invitae Variant Classification Sherloc (09022015). Collection method: clinical testing. Allele origin: germline.
Comment: This sequence change replaces alanine, which is neutral and non-polar, with threonine, which is neutral and polar, at codon 564 of the DOCK2 protein (p.Ala564Thr). This variant is present in population databases (rs144145929, gnomAD 0.01%). This variant has not been reported in the literature in individuals affected with DOCK2-related conditions. ClinVar contains an entry for this variant (Variation ID: 1418840). An algorithm developed to predict the effect of missense changes on protein structure and function (PolyPhen-2) suggests that this variant¬†is likely to be tolerated. In summary, the available evidence is currently insufficient to determine the role of this variant in disease. Therefore, it has been classified as a Variant of Uncertain Significance.

NM_004946.3(DOCK2):c.1690G>A (p.Ala564Thr)

Gene: DOCK2 (dedicator of cytokinesis 2; plus strand). Cytogenetic location: 5q35.1.
Variant type: single nucleotide variant.
Coding change: c.1690G>A on transcript NM_004946.3 (MANE Select); coding-DNA position 1690, G replaced by A.
Protein change: p.Ala564Thr; replaces alanine 564 with threonine.
Molecular consequence: missense variant. On other transcripts: non-coding transcript variant (1).
Genome position (GRCh38, 1-based): chr5:169,714,058, G>A. VCF-style: chr5-169714058-G-A. GRCh37 (hg19) VCF-style: chr5-169141062-G-A.
Other names: short protein forms A564T.
Identifiers: ClinVar variation 1418840 (VCV001418840.6), dbSNP rs144145929, ClinGen allele CA3553570.